The following is an entry in ClinVar:

ClinVar aggregate classification (germline): Uncertain significance (1 of 4 stars; one submission).

Conditions:
Glycine encephalopathy. Also called: Nonketotic hyperglycinemia; Non-ketotic hyperglycinemia. Identifiers: Orphanet 407, MedGen C0751748, MONDO:0011612, HP:0008288.

Allele frequency attached by ClinVar (database versions not stated): TOPMed 0.00001.
gnomAD v4.1: 11 of 1,359,506 alleles (0.00081%); highest among the groups gnomAD compares: African/African-American, 0.0061%; no homozygotes.

Submission:

Labcorp Genetics (formerly Invitae), Labcorp
Classification: Uncertain significance for Glycine encephalopathy. Last evaluated: 2019-08-20. Review status: criteria provided, single submitter. Criteria: Invitae Variant Classification Sherloc (09022015). Collection method: clinical testing. Allele origin: germline.
Comment: In summary, the available evidence is currently insufficient to determine the role of this variant in disease. Therefore, it has been classified as a Variant of Uncertain Significance. This sequence change replaces alanine with serine at codon 11 of the GCSH protein (p.Ala11Ser). The alanine residue is weakly conserved and there is a moderate physicochemical difference between alanine and serine. The frequency data for this variant in the population databases is considered unreliable, as metrics indicate insufficient coverage at this position in the ExAC database. This variant has not been reported in the literature in individuals with GCSH-related conditions. Algorithms developed to predict the effect of missense changes on protein structure and function (SIFT, PolyPhen-2, Align-GVGD) all suggest that this variant is likely to be tolerated, but these predictions have not been confirmed by published functional studies and their clinical significance is uncertain.

NM_004483.5(GCSH):c.31G>T (p.Ala11Ser)

Genes: GCSH (glycine cleavage system protein H; minus strand), LOC130059495 (ATAC-STARR-seq lymphoblastoid silent region 7751; plus strand). Cytogenetic location: 16q23.2.
Variant type: single nucleotide variant.
Coding change: c.31G>T on transcript NM_004483.5 (MANE Select); coding-DNA position 31, G replaced by T.
Protein change: p.Ala11Ser; replaces alanine 11 with serine.
Molecular consequence: missense variant. On other transcripts: non-coding transcript variant (1).
Genome position (GRCh38, 1-based): chr16:81,096,248, C>A on the plus strand (G>T on the coding strand, the complement: GCSH is on the minus strand). VCF-style: chr16-81096248-C-A. GRCh37 (hg19) VCF-style: chr16-81129853-C-A.
Other names: short protein forms A11S.
Identifiers: ClinVar variation 955695 (VCV000955695.10), dbSNP rs766468139, ClinGen allele CA284249705.
Genomic context (GRCh38, chr16:81,096,248, plus strand): 5'-AGGGCCTCGGCGGGCAGGGCGCGGCGGGTGACGGGACCGCGCGCAGGGTGCAGAGCAGGG[C>A]CCGCACGCTCCGCACCACTCGCAGCGCCATGTTCGCAGGGGTGCGGGGGTCGCAGCGCTA-3'
Protein context (NP_004474.2, residues 1-21): MALRVVRSVR[Ala11Ser]LLCTLRAVPS